The following is an entry in ClinVar:

ClinVar aggregate classification (germline): Uncertain significance (1 of 4 stars; one submission).

gnomAD v4.1: 18 of 1,523,840 alleles (0.0012%); highest among the groups gnomAD compares: East Asian, 0.036%; no homozygotes.

Submission:

Ambry Genetics
Classification: Uncertain significance. Last evaluated: 2025-11-08. Review status: criteria provided, single submitter. Criteria: Ambry Variant Classification Scheme 2023. Collection method: clinical testing. Allele origin: germline.
Comment: The c.106T>C (p.C36R) alteration is located in exon 2 (coding exon 2) of the POLRMT gene. This alteration results from a T to C substitution at nucleotide position 106, causing the cysteine (C) at amino acid position 36 to be replaced by an arginine (R). Based on data from gnomAD, the C allele has an overall frequency of 0.005% (8/162998) total alleles studied. The highest observed frequency was 0.073% (7/9580) of East Asian alleles. Based on insufficient or conflicting evidence, the clinical significance of this alteration remains unclear.

NM_005035.4(POLRMT):c.106T>C (p.Cys36Arg)

Gene: POLRMT (RNA polymerase mitochondrial; minus strand). Cytogenetic location: 19p13.3.
Variant type: single nucleotide variant.
Coding change: c.106T>C on transcript NM_005035.4 (MANE Select); coding-DNA position 106, T replaced by C.
Protein change: p.Cys36Arg; replaces cysteine 36 with arginine.
Molecular consequence: missense variant. On other transcripts: 5 prime UTR variant (5), non-coding transcript variant (1).
Genome position (GRCh38, 1-based): chr19:632,921, A>G on the plus strand (T>C on the coding strand, the complement: POLRMT is on the minus strand). VCF-style: chr19-632921-A-G. GRCh37 (hg19) VCF-style: chr19-632921-A-G.
Other names: c.106T>C, p.Cys36Arg (NM_001407811.1, NM_001407812.1, NM_001407813.1 and 12 more transcripts); c.-219T>C (NM_001407831.1, NM_001407833.1, NM_001407834.1 and 2 more transcripts); short protein forms C36R.
Identifiers: ClinVar variation 4570409 (VCV004570409.1).